The following is an entry in ClinVar:

ClinVar aggregate classification (germline): Uncertain significance (1 of 4 stars; one submission).

Conditions:
Developmental and epileptic encephalopathy, 36 (DEE36). Also called: ALG13-CDG; Epileptic encephalopathy, early infantile, 36; Congenital disorder of glycosylation, type Is. Identifiers: Orphanet 324422, MedGen C4317295, MONDO:0010472, OMIM 300884.

Submission:

Labcorp Genetics (formerly Invitae), Labcorp
Classification: Uncertain significance for Developmental and epileptic encephalopathy, 36. Last evaluated: 2025-02-09. Review status: criteria provided, single submitter. Criteria: Invitae Variant Classification Sherloc (09022015). Collection method: clinical testing. Allele origin: germline.
Comment: This sequence change replaces proline, which is neutral and non-polar, with leucine, which is neutral and non-polar, at codon 892 of the ALG13 protein (p.Pro892Leu). This variant is not present in population databases (gnomAD no frequency). This variant has not been reported in the literature in individuals affected with ALG13-related conditions. Invitae Evidence Modeling of protein sequence and biophysical properties (such as structural, functional, and spatial information, amino acid conservation, physicochemical variation, residue mobility, and thermodynamic stability) has been performed for this missense variant. However, the output from this modeling did not meet the statistical confidence thresholds required to predict the impact of this variant on ALG13 protein function. In summary, the available evidence is currently insufficient to determine the role of this variant in disease. Therefore, it has been classified as a Variant of Uncertain Significance.

NM_001099922.3(ALG13):c.2675C>T (p.Pro892Leu)

Gene: ALG13 (ALG13 UDP-N-acetylglucosaminyltransferase subunit; plus strand). Cytogenetic location: Xq23.
Variant type: single nucleotide variant.
Coding change: c.2675C>T on transcript NM_001099922.3 (MANE Select); coding-DNA position 2675, C replaced by T.
Protein change: p.Pro892Leu; replaces proline 892 with leucine.
Molecular consequence: missense variant. On other transcripts: non-coding transcript variant (1).
Genome position (GRCh38, 1-based): chrX:111,736,859, C>T. VCF-style: chrX-111736859-C-T. GRCh37 (hg19) VCF-style: chrX-110980087-C-T.
Other names: c.2363C>T, p.Pro788Leu (NM_001257230.2, NM_001257234.2, NM_001257237.2); c.2441C>T, p.Pro814Leu (NM_001257231.2); c.2675C>T, p.Pro892Leu (NM_001324292.2); c.2189C>T, p.Pro730Leu (NM_001324293.1); short protein forms P788L, P814L, P892L, P730L.
Identifiers: ClinVar variation 3720615 (VCV003720615.2).